The following is an entry in ClinVar:

ClinVar aggregate classification (germline): Uncertain significance (1 of 4 stars; one submission).

Conditions:
Hereditary cancer-predisposing syndrome. Also called: Neoplastic Syndromes, Hereditary; Tumor predisposition; Hereditary Cancer Syndrome; Hereditary neoplastic syndrome. Identifiers: Orphanet 140162, MedGen C0027672, MeSH D009386, MONDO:0015356.

Submission:

Ambry Genetics
Classification: Uncertain significance for Hereditary cancer-predisposing syndrome. Last evaluated: 2026-01-21. Review status: criteria provided, single submitter. Criteria: Ambry Variant Classification Scheme 2023. Collection method: clinical testing. Allele origin: germline.
Comment: The c.5443_5446delGACA variant, located in coding exon 40 of the POLE gene, results from a deletion of 4 nucleotides at nucleotide positions 5443 to 5446, causing a translational frameshift with a predicted alternate stop codon (p.D1815Tfs*3). This alteration is expected to result in loss of function by premature protein truncation or nonsense-mediated mRNA decay. Although biallelic loss of function of POLE has been associated with autosomal recessive POLE deficiency, haploinsufficiency of POLE has not been established as a mechanism of disease for POLE-related polymerase proofreading-associated polyposis (PPAP) and POLE-related CMMRD-like syndrome. Based on the supporting evidence, this variant is expected to be causative of POLE deficiency when present along with a second pathogenic variant on the other allele; however, its clinical significance for PPAP and POLE-related CMMRD-like syndrome is unclear/unlikely.

NM_006231.4(POLE):c.5443_5446del (p.Asp1815fs)

Gene: POLE (DNA polymerase epsilon, catalytic subunit; minus strand). Cytogenetic location: 12q24.33.
Variant type: Deletion.
Coding change: c.5443_5446del on transcript NM_006231.4 (MANE Select); coding-DNA positions 5443 to 5446, 4 bases deleted (GACA; older notation c.5443_5446delGACA).
Protein change: p.Asp1815fs; shifts the reading frame from aspartic acid 1815.
Molecular consequence: frameshift variant.
Genome position (GRCh38, 1-based): chr12:132,639,231-132,639,234, TGTC deleted on the plus strand (GACA on the coding strand, the reverse complement: POLE is on the minus strand); deleting any 4 consecutive bases within chr12:132,639,231-132,639,236 gives the same sequence; the c. name uses the placement nearest the transcript's 3' end. VCF-style (leftmost placement, unchanged base first): chr12-132639230-TTGTC-T. GRCh37 (hg19) VCF-style: chr12-133215816-TTGTC-T.
Other names: short protein forms D1815fs.
Identifiers: ClinVar variation 4841513 (VCV004841513.1).